The following is an entry in ClinVar:

NM_015910.7(WDPCP):c.1951A>C (p.Asn651His)

Gene: WDPCP (WD repeat containing planar cell polarity effector; minus strand). Cytogenetic location: 2p15.
Variant type: single nucleotide variant.
Coding change: c.1951A>C on transcript NM_015910.7 (MANE Select); coding-DNA position 1951, A replaced by C.
Protein change: p.Asn651His; replaces asparagine 651 with histidine.
Molecular consequence: missense variant. On other transcripts: non-coding transcript variant (3).
Genome position (GRCh38, 1-based): chr2:63,174,797, T>G on the plus strand (A>C on the coding strand, the complement: WDPCP is on the minus strand). VCF-style: chr2-63174797-T-G. GRCh37 (hg19) VCF-style: chr2-63401932-T-G.
Other names: c.1474A>C, p.Asn492His (NM_001042692.3); c.1879A>C, p.Asn627His (NM_001354044.2); short protein forms N627H, N492H, N651H.
Identifiers: ClinVar variation 860723 (VCV000860723.10), dbSNP rs373413042, ClinGen allele CA49209180.

ClinVar aggregate classification (germline): Uncertain significance. Review status: criteria provided, multiple submitters, no conflicts (2 of 4 stars). 3 submissions from 3 submitters: Uncertain significance (3). Last evaluated 2024-03-20.

Conditions:
Inborn genetic diseases. Identifiers: MedGen C0950123, MeSH D030342.
Bardet-Biedl syndrome 15 (BBS15). Identifiers: Orphanet 110, MedGen C3150127, MONDO:0014443, OMIM 615992.
Heart defect - tongue hamartoma - polysyndactyly syndrome. Also called: Congenital heart defects, hamartomas of tongue, and polysyndactyly. Identifiers: Orphanet 1338, MedGen C1857587, MONDO:0009008, OMIM 217085.
Bardet-Biedl syndrome (BBS). Identifiers: Orphanet 110, MedGen C0752166, MONDO:0015229.

Allele frequency attached by ClinVar (database versions not stated): gnomAD exomes below 0.00001; gnomAD 0.00001; TOPMed 0.00003; ESP Exome Variant Server 0.00008.
gnomAD v4.1: 6 of 1,613,802 alleles (0.00037%); highest among the groups gnomAD compares: Middle Eastern, 0.016%; no homozygotes.

Submissions (3):

Fulgent Genetics
Classification: Uncertain significance for Heart defect - tongue hamartoma - polysyndactyly syndrome; Bardet-Biedl syndrome 15. Last evaluated: 2024-03-20. Review status: criteria provided, single submitter. Criteria: ACMG Guidelines, 2015. Collection method: clinical testing. Allele origin: germline.

Ambry Genetics
Classification: Uncertain significance for Inborn genetic diseases. Last evaluated: 2023-10-24. Review status: criteria provided, single submitter. Criteria: Ambry Variant Classification Scheme 2023. Collection method: clinical testing. Allele origin: germline.

Labcorp Genetics (formerly Invitae), Labcorp
Classification: Uncertain significance for Bardet-Biedl syndrome. Last evaluated: 2023-02-10. Review status: criteria provided, single submitter. Criteria: Invitae Variant Classification Sherloc (09022015). Collection method: clinical testing. Allele origin: germline.
Comment: This sequence change replaces asparagine, which is neutral and polar, with histidine, which is basic and polar, at codon 651 of the WDPCP protein (p.Asn651His). This variant is not present in population databases (gnomAD no frequency). This variant has not been reported in the literature in individuals affected with WDPCP-related conditions. ClinVar contains an entry for this variant (Variation ID: 860723). Advanced modeling of protein sequence and biophysical properties (such as structural, functional, and spatial information, amino acid conservation, physicochemical variation, residue mobility, and thermodynamic stability) performed at Invitae indicates that this missense variant is not expected to disrupt WDPCP protein function. In summary, the available evidence is currently insufficient to determine the role of this variant in disease. Therefore, it has been classified as a Variant of Uncertain Significance.